The following is an entry in ClinVar:

NM_001943.5(DSG2):c.616G>A (p.Ala206Thr)

Gene: DSG2 (desmoglein 2; plus strand). Cytogenetic location: 18q12.1.
Variant type: single nucleotide variant.
Coding change: c.616G>A on transcript NM_001943.5 (MANE Select); coding-DNA position 616, G replaced by A.
Protein change: p.Ala206Thr; replaces alanine 206 with threonine.
Molecular consequence: missense variant.
Genome position (GRCh38, 1-based): chr18:31,522,175, G>A. VCF-style: chr18-31522175-G-A. GRCh37 (hg19) VCF-style: chr18-29102138-G-A.
Other names: short protein forms A206T.
Identifiers: ClinVar variation 1751995 (VCV001751995.2), dbSNP rs2510911642, ClinGen allele CA402133737.
Genomic context (GRCh38, chr18:31,522,175, plus strand): 5'-GCAGATGAGCCCAATACCCTGAATTCGAAAATTTCCTATAGAATCGTATCTCTGGAGCCT[G>A]CTTATCCTCCAGTGTTCTACCTAAATAAAGATACAGGAGAGATTTATACAACCAGTGTTA-3'
Protein context (NP_001934.2, residues 196-216): ISYRIVSLEP[Ala206Thr]YPPVFYLNKD

ClinVar aggregate classification (germline): Uncertain significance (1 of 4 stars; one submission).

Conditions:
Cardiovascular phenotype. Identifiers: MedGen CN230736.

Allele frequency attached by ClinVar (database versions not stated): gnomAD exomes below 0.00001.

Submission:

Ambry Genetics
Classification: Uncertain significance for Cardiovascular phenotype. Last evaluated: 2022-04-01. Review status: criteria provided, single submitter. Criteria: Ambry Variant Classification Scheme 2023. Collection method: clinical testing. Allele origin: germline.
Comment: The p.A206T variant (also known as c.616G>A), located in coding exon 6 of the DSG2 gene, results from a G to A substitution at nucleotide position 616. The alanine at codon 206 is replaced by threonine, an amino acid with similar properties. This amino acid position is conserved. In addition, this alteration is predicted to be tolerated by in silico analysis. Since supporting evidence is limited at this time, the clinical significance of this alteration remains unclear.